The following is an entry in ClinVar:

ClinVar aggregate classification (germline): Uncertain significance (1 of 4 stars; one submission).

Conditions:
Ataxia-telangiectasia syndrome (AT). Also called: ATAXIA-TELANGIECTASIA, FRESNO VARIANT; Ataxia-telangiectasia, complementation group D; AT, COMPLEMENTATION GROUP C; Ataxia-telangiectasia; Ataxia-telangiectasia, complementation group E; Ataxia telangiectasia (A-T). Identifiers: Orphanet 100, MedGen C0004135, MONDO:0008840, OMIM 208900.

Submission:

Labcorp Genetics (formerly Invitae), Labcorp
Classification: Uncertain significance for Ataxia-telangiectasia syndrome. Last evaluated: 2021-10-06. Review status: criteria provided, single submitter. Criteria: Invitae Variant Classification Sherloc (09022015). Collection method: clinical testing. Allele origin: germline.
Comment: In summary, the available evidence is currently insufficient to determine the role of this variant in disease. Therefore, it has been classified as a Variant of Uncertain Significance. Advanced modeling of protein sequence and biophysical properties (such as structural, functional, and spatial information, amino acid conservation, physicochemical variation, residue mobility, and thermodynamic stability) performed at Invitae indicates that this missense variant is not expected to disrupt ATM protein function. This variant has not been reported in the literature in individuals affected with ATM-related conditions. This variant is not present in population databases (ExAC no frequency). This sequence change replaces valine with isoleucine at codon 551 of the ATM protein (p.Val551Ile). The valine residue is moderately conserved and there is a small physicochemical difference between valine and isoleucine.

NM_000051.4(ATM):c.1651G>A (p.Val551Ile)

Gene: ATM (ATM serine/threonine kinase; plus strand). Cytogenetic location: 11q22.3.
Variant type: single nucleotide variant.
Coding change: c.1651G>A on transcript NM_000051.4 (MANE Select); coding-DNA position 1651, G replaced by A.
Protein change: p.Val551Ile; replaces valine 551 with isoleucine.
Molecular consequence: missense variant.
Genome position (GRCh38, 1-based): chr11:108,251,880, G>A. VCF-style: chr11-108251880-G-A. GRCh37 (hg19) VCF-style: chr11-108122607-G-A.
Other names: c.1651G>A, p.Val551Ile (NM_001351834.2); short protein forms V551I.
Identifiers: ClinVar variation 1063546 (VCV001063546.7), dbSNP rs1555071742, ClinGen allele CA382534549.
Genomic context (GRCh38, chr11:108,251,880, plus strand): 5'-CCTTTGTTTTGTTATAGTCCTGCAGTATGCTGTTTGACTTTGGCACTGACCACCAGTATA[G>A]TTCCAGGAACGGTAAAAATGGGAATAGAGCAAAATATGTGTGAAGTAAATAGAAGCTTTT-3'
Protein context (NP_000042.3, residues 541-561): CLTLALTTSI[Val551Ile]PGTVKMGIEQ